The following is an entry in ClinVar:

ClinVar aggregate classification (germline): Uncertain significance (1 of 4 stars; one submission).

Conditions:
Inborn genetic diseases. Identifiers: MedGen C0950123, MeSH D030342.

Submission:

Ambry Genetics
Classification: Uncertain significance for Inborn genetic diseases. Last evaluated: 2025-04-10. Review status: criteria provided, single submitter. Criteria: Ambry Variant Classification Scheme 2023. Collection method: clinical testing. Allele origin: germline.
Comment: The c.2857C>G (p.R953G) alteration is located in exon 24 (coding exon 24) of the MAP4K4 gene. This alteration results from a C to G substitution at nucleotide position 2857, causing the arginine (R) at amino acid position 953 to be replaced by a glycine (G). This variant was not reported in population-based cohorts in the Genome Aggregation Database (gnomAD). This amino acid position is highly conserved in available vertebrate species. This missense alteration is located in a region that has a low rate of benign missense variation (Lek, 2016; Firth, 2009). This alteration is predicted to be deleterious by in silico analysis. Based on insufficient or conflicting evidence, the clinical significance of this alteration remains unclear.

NM_001395002.1(MAP4K4):c.3190C>G (p.Arg1064Gly)

Gene: MAP4K4 (mitogen-activated protein kinase kinase kinase kinase 4; plus strand). Cytogenetic location: 2q11.2.
Variant type: single nucleotide variant.
Coding change: c.3190C>G on transcript NM_001395002.1 (MANE Select); coding-DNA position 3190, C replaced by G.
Protein change: p.Arg1064Gly; replaces arginine 1064 with glycine.
Molecular consequence: missense variant. On other transcripts: non-coding transcript variant (4).
Genome position (GRCh38, 1-based): chr2:101,874,201, C>G. VCF-style: chr2-101874201-C-G. GRCh37 (hg19) VCF-style: chr2-102490663-C-G.
Other names: c.2755C>G, p.Arg919Gly (NM_001242559.2); c.2743C>G, p.Arg915Gly (NM_001242560.2); c.2833C>G, p.Arg945Gly (NM_001384476.1); c.3022C>G, p.Arg1008Gly (NM_001384477.1); c.2512C>G, p.Arg838Gly (NM_001384478.1); c.2950C>G, p.Arg984Gly (NM_001384481.1); c.2503C>G, p.Arg835Gly (NM_001384482.1); c.2785C>G, p.Arg929Gly (NM_001384483.1); and 39 more; short protein forms R1064G, R838G, R880G, R883G, R902G, R906G, R914G, R934G.
Identifiers: ClinVar variation 4051459 (VCV004051459.1).